The following is an entry in ClinVar:

NM_025114.4(CEP290):c.5788A>T (p.Lys1930Ter)

Gene: CEP290 (centrosomal protein 290; minus strand). Cytogenetic location: 12q21.32.
Variant type: single nucleotide variant.
Coding change: c.5788A>T on transcript NM_025114.4 (MANE Select); coding-DNA position 5788, A replaced by T.
Protein change: p.Lys1930Ter; replaces lysine 1930 with a stop codon.
Molecular consequence: nonsense.
Genome position (GRCh38, 1-based): chr12:88,071,848, T>A on the plus strand (A>T on the coding strand, the complement: CEP290 is on the minus strand). VCF-style: chr12-88071848-T-A. GRCh37 (hg19) VCF-style: chr12-88465625-T-A.
Other names: short protein forms K1930*.
Identifiers: ClinVar variation 812264 (VCV000812264.15), dbSNP rs1592784618, ClinGen allele CA385984785.

ClinVar aggregate classification (germline): Pathogenic. Review status: criteria provided, multiple submitters, no conflicts (2 of 4 stars). 7 submissions from 7 submitters: Pathogenic (6). 1 of the submissions does not count toward it. Last evaluated 2024-12-06.

Conditions:
Leber congenital amaurosis (LCA). Also called: Leber's amaurosis. Identifiers: Orphanet 65, MedGen C0339527, MeSH D057130, MONDO:0018998.
Joubert syndrome. Also called: Familial aplasia of the vermis; JOUBERT-BOLTSHAUSER SYNDROME. Identifiers: Orphanet 475, MedGen C5979921, MONDO:0018772.
Meckel-Gruber syndrome. Also called: DYSENCEPHALIA SPLANCHNOCYSTICA; GRUBER SYNDROME; Dysencephalia splachnocystica. Identifiers: Orphanet 564, MedGen C0265215, MONDO:0018921.
Nephronophthisis. Also called: Juvenile Nephronophthisis. Identifiers: Orphanet 655, MedGen C0687120, MONDO:0019005, HP:0000090.
Retinal dystrophy. Also called: Inherited retinal dystrophy. Identifiers: Orphanet 71862, MedGen C0854723, MeSH D058499, MONDO:0019118, HP:0000556.
Bardet-Biedl syndrome 14 (BBS14). Identifiers: Orphanet 110, MedGen C2673874, MONDO:0014442, OMIM 615991.
Joubert syndrome 5 (JBTS5). Identifiers: Orphanet 2318, MedGen C1857780, MONDO:0012432, OMIM 610188.
CEP290-related ciliopathy. Also called: CEP290 ciliopathy. Identifiers: MedGen CN305601, MONDO:0100451.

Allele frequency attached by ClinVar (database versions not stated): gnomAD exomes below 0.00001.
gnomAD v4.1: 1 of 1,605,854 alleles (0.000062%); highest among the groups gnomAD compares: East Asian, 0.0023%; no homozygotes.

Submissions (7):

Natera, Inc.
Classification: Pathogenic for Leber congenital amaurosis. Last evaluated: 2024-12-06. Review status: criteria provided, single submitter. Criteria: Natera Variant Classification Schema (03/2026). Collection method: clinical testing. Allele origin: germline.
Comment: The c.5788A>T variant in CEP290 is a nonsense variant predicted to introduce a stop codon at amino acid 1930. This variant is expected to result in nonsense mediated decay, truncation, or a dysfunctional protein product. This variant is rare in the general population with a frequency below the threshold expected for the associated phenotype(s). This variant has been observed in one or more individuals affected with the associated recessive disease, as either homozygous or compound heterozygous with a second variant (PMID: 27434533). Additionally, this variant has been observed to segregate in affected family members (PMID: 27434533). Given the available evidence, this variant is classified as Pathogenic.

Myriad Genetics, Inc.
Classification: Pathogenic for CEP290-related ciliopathy. Last evaluated: 2024-05-23. Review status: criteria provided, single submitter. Criteria: Myriad Autosomal Dominant, Autosomal Recessive and X-Linked Classification Criteria (2023). Collection method: clinical testing. Allele origin: unknown.
Comment: NM_025114.3(CEP290):c.5788A>T(K1930*) is expected to be pathogenic in the context of CEP290-related disorders. This variant is predicted to lead to an abnormal or absent protein product due to the creation of a premature termination codon in CEP290, a gene where loss-of-function variants are known to be pathogenic. Please note: this variant was assessed in the context of healthy population screening.

Baylor Genetics
Classification: Pathogenic for Bardet-Biedl syndrome 14. Last evaluated: 2024-02-27. Review status: criteria provided, single submitter. Criteria: ACMG Guidelines, 2015. Collection method: clinical testing. Allele origin: unknown.

Dept Of Ophthalmology, Nagoya University
Classification: Pathogenic for Retinal dystrophy. Last evaluated: 2023-10-01. Review status: criteria provided, single submitter. Criteria: Submitter's publication. Collection method: research. Allele origin: germline. Affected: yes.

Labcorp Genetics (formerly Invitae), Labcorp
Classification: Pathogenic for Joubert syndrome; Meckel-Gruber syndrome; Nephronophthisis. Last evaluated: 2023-08-25. Review status: criteria provided, single submitter. Criteria: Invitae Variant Classification Sherloc (09022015). Collection method: clinical testing. Allele origin: germline.
Comment: For these reasons, this variant has been classified as Pathogenic. ClinVar contains an entry for this variant (Variation ID: 812264). This premature translational stop signal has been observed in individual(s) with CEP290-related conditions (PMID: 23034536). This variant is not present in population databases (gnomAD no frequency). This sequence change creates a premature translational stop signal (p.Lys1930*) in the CEP290 gene. It is expected to result in an absent or disrupted protein product. Loss-of-function variants in CEP290 are known to be pathogenic (PMID: 16909394, 17345604, 20690115).

Medical Genetics Center, Maternal and Child Health Hospital of Hubei Province
Classification: Pathogenic for Joubert syndrome 5. Last evaluated: 2021-08-31. Review status: criteria provided, single submitter. Criteria: ACMG Guidelines, 2015. Collection method: clinical testing. Allele origin: paternal. Affected: yes.

Sharon lab, Hadassah-Hebrew University Medical Center
Classification: Pathogenic for Leber congenital amaurosis. Last evaluated: 2019-06-23. Review status: no assertion criteria provided. Collection method: research. Allele origin: inherited. Affected: yes. Not counted in ClinVar's aggregate classification.

Literature cited by the submitters: PubMed 27434533 (cited by Natera, Inc.); PubMed 23034536 (cited by Labcorp Genetics (formerly Invitae), Labcorp and Medical Genetics Center, Maternal and Child Health Hospital of Hubei Province); PubMed 16909394 (cited by Labcorp Genetics (formerly Invitae), Labcorp); PubMed 17345604 (cited by Labcorp Genetics (formerly Invitae), Labcorp); PubMed 20690115 (cited by Labcorp Genetics (formerly Invitae), Labcorp); PubMed 31456290 (cited by Medical Genetics Center, Maternal and Child Health Hospital of Hubei Province).